The following is an entry in ClinVar:

ClinVar aggregate classification (germline): Uncertain significance (1 of 4 stars; one submission).

Conditions:
Left ventricular noncompaction 1 (LVNC1). Also called: LEFT VENTRICULAR NONCOMPACTION 1 WITH OR WITHOUT CONGENITAL HEART DEFECTS. Identifiers: Orphanet 54260, MedGen C1858725, MONDO:0011403, OMIM 604169.

Submission:

Labcorp Genetics (formerly Invitae), Labcorp
Classification: Uncertain significance for Left ventricular noncompaction 1. Last evaluated: 2024-03-07. Review status: criteria provided, single submitter. Criteria: Invitae Variant Classification Sherloc (09022015). Collection method: clinical testing. Allele origin: germline.
Comment: This sequence change falls in intron 18 of the DTNA gene. It does not directly change the encoded amino acid sequence of the DTNA protein. This variant is present in population databases (no rsID available, gnomAD 0.007%). This variant has not been reported in the literature in individuals affected with DTNA-related conditions. Algorithms developed to predict the effect of sequence changes on RNA splicing suggest that this variant may create or strengthen a splice site. In summary, the available evidence is currently insufficient to determine the role of this variant in disease. Therefore, it has been classified as a Variant of Uncertain Significance.

NM_001386795.1(DTNA):c.1994-8del

Gene: DTNA (dystrobrevin alpha; plus strand). Cytogenetic location: 18q12.1.
Variant type: Deletion.
Coding change: c.1994-8del on transcript NM_001386795.1 (MANE Select); 8 bases into the intron before coding-DNA position 1994, one base deleted (T; older notation c.1994-8delT).
Molecular consequence: intron variant.
Genome position (GRCh38, 1-based): chr18:34,879,543, T deleted. VCF-style (leftmost placement, unchanged base first): chr18-34879542-AT-A. GRCh37 (hg19) VCF-style: chr18-32459506-AT-A.
Other names: c.1994-8del (NM_001386788.1); c.1823-8del (NM_001386758.1, NM_001386759.1, NM_001386754.1 and 3 more transcripts); c.983-8del (NM_001198943.1); c.1040-8del (NM_001198942.1); c.1733-8del (NM_001386766.1, NM_001386767.1, NM_001386753.1 and 5 more transcripts); c.1730-8del (NM_001386769.1, NM_001386768.1); c.1913-8del (NM_001390.5); c.869-8del (NM_001198944.1); and 5 more.
Identifiers: ClinVar variation 3699864 (VCV003699864.2).
Genomic context (GRCh38, chr18:34,879,542, plus strand): 5'-ACTCCTTTATTTGCAGGTCATAAAAAAATCTAACGAGTCATTCTTTATTTCTTCAATTGT[AT>A]CTGCTAGAGGTTGGGAGTGAAACAGAGAGTAATGTGGATTCTGAATTTGCACGGACTCAG-3'